The following is an entry in ClinVar:

ClinVar aggregate classification (germline): Likely pathogenic. Review status: criteria provided, single submitter (1 of 4 stars). 2 submissions from 2 submitters: Likely pathogenic (1). 1 of the submissions does not count toward it. Last evaluated 2024-09-09.

Conditions:
Neurodevelopmental disorder with coarse facies and mild distal skeletal abnormalities. Also called: STOLERMAN NEURODEVELOPMENTAL SYNDROME. Identifiers: MedGen C5193134, MONDO:0032790, OMIM 618505.

Submissions (2):

GeneDx
Classification: Likely pathogenic. Last evaluated: 2024-09-09. Review status: criteria provided, single submitter. Criteria: GeneDx Variant Classification Process June 2021. Collection method: clinical testing. Allele origin: germline. Affected: yes.
Comment: Frameshift variant predicted to result in protein truncation or nonsense mediated decay in a gene for which loss of function is a known mechanism of disease; Observed in two siblings with developmental delay, intellectual disability, autism spectrum disorder, and hypotonia in published literature (PMID: 37196654); This variant is associated with the following publications: (PMID: 37196654)

Joint Genome Diagnostic Labs from Nijmegen and Maastricht, Radboudumc and MUMC+
Classification: Likely pathogenic for Neurodevelopmental disorder with coarse facies and mild distal skeletal abnormalities. Last evaluated: 2022-09-09. Review status: no assertion criteria provided. Collection method: research. Allele origin: unknown. Affected: yes. Not counted in ClinVar's aggregate classification.

NM_001348716.2(KDM6B):c.3288_3291del (p.Ser1096fs)

Gene: KDM6B (lysine demethylase 6B; plus strand). Cytogenetic location: 17p13.1.
Variant type: Deletion.
Coding change: c.3288_3291del on transcript NM_001348716.2 (MANE Select); coding-DNA positions 3288 to 3291, 4 bases deleted (TGAG; older notation c.3288_3291delTGAG).
Protein change: p.Ser1096fs; shifts the reading frame from serine 1096.
Molecular consequence: frameshift variant.
Genome position (GRCh38, 1-based): chr17:7,849,576-7,849,579, TGAG deleted; deleting any 4 consecutive bases within chr17:7,849,574-7,849,579 gives the same sequence; the c. name uses the placement nearest the transcript's 3' end. VCF-style (leftmost placement, unchanged base first): chr17-7849573-TAGTG-T. GRCh37 (hg19) VCF-style: chr17-7752891-TAGTG-T.
Other names: c.3288_3291del, p.Ser1096fs (NM_001080424.2); c.3288_3291delTGAG (NM_001080424.2); c.3288_3291del (NM_001080424.1); short protein forms S1096fs.
Identifiers: ClinVar variation 1704476 (VCV001704476.2), dbSNP rs1274337429, ClinGen allele CA624866584.
Genomic context (GRCh38, chr17:7,849,573, plus strand): 5'-GGAGGAAGCCCCAGGGCCACCGGGTGTCAGCCGGGCCGACATGCTGAAGCTGCGCTCACT[TAGTG>T]AGGGGCCCCCCAAGGAGCTGAAGATCCGGCTCATCAAGGTAGAGAGTGGTGACAAGGAGA-3'